The following is an entry in ClinVar:

ClinVar aggregate classification (germline): Conflicting classifications of pathogenicity. Review status: criteria provided, conflicting classifications (1 of 4 stars). 4 submissions from 4 submitters: Uncertain significance (3); Benign (1). Last evaluated 2025-08-18.

Conditions:
Hereditary cancer-predisposing syndrome. Also called: Tumor predisposition; Hereditary Cancer Syndrome; Neoplastic Syndromes, Hereditary; Hereditary neoplastic syndrome. Identifiers: Orphanet 140162, MedGen C0027672, MeSH D009386, MONDO:0015356.
Familial adenomatous polyposis 2. Also called: MYH-associated polyposis; FAP type 2; ADENOMAS, MULTIPLE COLORECTAL, AUTOSOMAL RECESSIVE; MUTYH Polyposis; MUTYH-associated polyposis; MUTYH-related attenuated familial adenomatous polyposis. Identifiers: Orphanet 220460, Orphanet 247798, MedGen C3272841, MONDO:0012041, OMIM 608456.

Allele frequency attached by ClinVar (database versions not stated): gnomAD exomes below 0.00001; TOPMed below 0.00001.

Submissions (4):

Ambry Genetics
Classification: Benign for Hereditary cancer-predisposing syndrome. Last evaluated: 2025-08-18. Review status: criteria provided, single submitter. Criteria: Ambry Variant Classification Scheme 2023. Collection method: clinical testing. Allele origin: germline.

Labcorp Genetics (formerly Invitae), Labcorp
Classification: Uncertain significance for Familial adenomatous polyposis 2. Last evaluated: 2024-08-31. Review status: criteria provided, single submitter. Criteria: Invitae Variant Classification Sherloc (09022015). Collection method: clinical testing. Allele origin: germline.
Comment: This sequence change replaces glycine, which is neutral and non-polar, with arginine, which is basic and polar, at codon 35 of the MUTYH protein (p.Gly35Arg). This variant is not present in population databases (gnomAD no frequency). This variant has not been reported in the literature in individuals affected with MUTYH-related conditions. ClinVar contains an entry for this variant (Variation ID: 230749). An algorithm developed to predict the effect of missense changes on protein structure and function outputs the following: PolyPhen-2: "Benign". The arginine amino acid residue is found in multiple mammalian species, which suggests that this missense change does not adversely affect protein function. In summary, the available evidence is currently insufficient to determine the role of this variant in disease. Therefore, it has been classified as a Variant of Uncertain Significance.

All of Us Research Program, National Institutes of Health
Classification: Uncertain significance for Familial adenomatous polyposis 2. Last evaluated: 2024-01-11. Review status: criteria provided, single submitter. Criteria: ACMG Guidelines, 2015. Collection method: clinical testing. Allele origin: germline. Inheritance: Autosomal recessive inheritance. Observed: 1 variant allele, 1 heterozygote.
Comment: This study involves interpretation of variants in research participants for the purpose of population health screening. Participant phenotype was not available at the time of variant classification. Additional details can be found in publication PMID: 35346344, PMCID: PMC8962531

Color Diagnostics, LLC DBA Color Health
Classification: Uncertain significance for Hereditary cancer-predisposing syndrome. Last evaluated: 2023-12-05. Review status: criteria provided, single submitter. Criteria: ACMG Guidelines, 2015. Collection method: clinical testing. Allele origin: germline.
Comment: This missense variant replaces glycine with arginine at codon 35 of the MUTYH protein. Computational prediction suggests that this variant may not impact protein structure and function (internally defined REVEL score threshold <= 0.5, PMID: 27666373). To our knowledge, functional studies have not been reported for this variant. This variant has not been reported in individuals affected with MUTYH-related disorders in the literature. This variant has not been identified in the general population by the Genome Aggregation Database (gnomAD). The available evidence is insufficient to determine the role of this variant in disease conclusively. Therefore, this variant is classified as a Variant of Uncertain Significance.

Literature cited by the submitters: PubMed 40738107 (cited by Ambry Genetics).

NM_001048174.2(MUTYH):c.61G>A (p.Gly21Arg)

Gene: MUTYH (mutY DNA glycosylase; minus strand). Cytogenetic location: 1p34.1.
Variant type: single nucleotide variant.
Coding change: c.61G>A on transcript NM_001048174.2 (MANE Select); coding-DNA position 61, G replaced by A.
Protein change: p.Gly21Arg; replaces glycine 21 with arginine.
Molecular consequence: missense variant. On other transcripts: 5 prime UTR variant (4), non-coding transcript variant (2).
Genome position (GRCh38, 1-based): chr1:45,334,445, C>T on the plus strand (G>A on the coding strand, the complement: MUTYH is on the minus strand). VCF-style: chr1-45334445-C-T. GRCh37 (hg19) VCF-style: chr1-45800117-C-T.
Other names: c.61G>A, p.Gly21Arg (NM_001048171.2, NM_001048172.2, NM_001048173.2 and 2 more transcripts); c.103G>A, p.Gly35Arg (NM_001128425.2, NM_001293190.2, NM_012222.3); c.-152G>A (NM_001293192.2, NM_001293196.2); c.-211G>A (NM_001350650.2); c.-147G>A (NM_001350651.2); short protein forms G35R, G21R.
Identifiers: ClinVar variation 230749 (VCV000230749.22), dbSNP rs876658745, ClinGen allele CA10577750.
Genomic context (GRCh38, chr1:45,334,445, plus strand): 5'-CCTTACCATCACAGGCAGAAGGCTTGGCCTGACTGTTGTTCTTAGCATGCTTCTGCCTCC[C>T]TTCCTGGCTGGCTGCCTGCTTCCTGTGACCACTTCCCACGGCTGCTCGTGGCTTCCTCAT-3'
Protein context (NP_001041639.1, residues 11-31): GHRKQAASQE[Gly21Arg]RQKHAKNNSQ